The following is an entry in ClinVar:

ClinVar aggregate classification (germline): Uncertain significance (1 of 4 stars; one submission).

Conditions:
Early-infantile DEE. Also called: Ohtahara syndrome; Early infantile epileptic encephalopathy with suppression bursts; Early infantile epileptic encephalopathy. Identifiers: Orphanet 1934, MedGen C0393706, MONDO:0800491.

Submission:

Labcorp Genetics (formerly Invitae), Labcorp
Classification: Uncertain significance for Early-infantile DEE. Last evaluated: 2020-05-20. Review status: criteria provided, single submitter. Criteria: Invitae Variant Classification Sherloc (09022015). Collection method: clinical testing. Allele origin: germline.
Comment: In summary, the available evidence is currently insufficient to determine the role of this variant in disease. Therefore, it has been classified as a Variant of Uncertain Significance. Experimental studies and prediction algorithms are not available or were not evaluated, and the functional significance of this variant is currently unknown. This variant has not been reported in the literature in individuals with SCN8A-related conditions. This variant is not present in population databases (ExAC no frequency). This variant, c.1952_1972dup, results in the insertion of 7 amino acid(s) to the SCN8A protein (p.Leu651_Ser657dup), but otherwise preserves the integrity of the reading frame.

NM_001330260.2(SCN8A):c.1952_1972dup (p.Leu651_Ser657dup)

Gene: SCN8A (sodium voltage-gated channel alpha subunit 8; plus strand). Cytogenetic location: 12q13.13.
Variant type: Duplication.
Coding change: c.1952_1972dup on transcript NM_001330260.2 (MANE Select); coding-DNA positions 1952 to 1972, 21 bases duplicated (TCATCGGCGGCCCCGGCTCCC).
Protein change: p.Leu651_Ser657dup.
Molecular consequence: inframe insertion.
Genome position (GRCh38, 1-based): chr12:51,721,862-51,721,882, TCATCGGCGGCCCCGGCTCCC duplicated; duplicating any 21 consecutive bases within chr12:51,721,858-51,721,882 gives the same sequence; the c. name uses the placement nearest the transcript's 3' end. VCF-style (leftmost placement, unchanged base first): chr12-51721857-G-GTCCCTCATCGGCGGCCCCGGC. GRCh37 (hg19) VCF-style: chr12-52115641-G-GTCCCTCATCGGCGGCCCCGGC.
Other names: c.1952_1972dup, p.Leu651_Ser657dup (NM_001177984.3, NM_001369788.1, NM_014191.4).
Identifiers: ClinVar variation 1057577 (VCV001057577.10), dbSNP rs1942071890, ClinGen allele CA947637866.
Genomic context (GRCh38, chr12:51,721,857, plus strand): 5'-CTTCCCCAGCCTGCGGCGCAGCGTGAAGCGCAACAGCACGGTGGACTGCAACGGCGTGGT[G>GTCCCTCATCGGCGGCCCCGGC]TCCCTCATCGGCGGCCCCGGCTCCCACATCGGCGGGCGTCTCCTGCCAGAGGTGAAAATT-3'